The following is an entry in ClinVar:

NM_014402.5(UQCRQ):c.155-123G>T

Gene: UQCRQ (ubiquinol-cytochrome c reductase complex III subunit VII; plus strand). Cytogenetic location: 5q31.1.
Variant type: single nucleotide variant.
Coding change: c.155-123G>T on transcript NM_014402.5 (MANE Select); 123 bases into the intron before coding-DNA position 155, G replaced by T.
Molecular consequence: intron variant.
Genome position (GRCh38, 1-based): chr5:132,867,365, G>T. VCF-style: chr5-132867365-G-T. GRCh37 (hg19) VCF-style: chr5-132203057-G-T.
Identifiers: ClinVar variation 676452 (VCV000676452.2), dbSNP rs79323607, ClinGen allele CA127291548.
Genomic context (GRCh38, chr5:132,867,365, plus strand): 5'-CTTACCAGTGGTGAAATGCTTTGTGTTAAACGTGCAGCAGATAGTGATGATAGTTGCATG[G>T]CCTTGGATATGCTAAGAACTACTGAAGTGTATGCTTTAAAGAAGACAAGAGGACTGAGAC-3'

ClinVar aggregate classification (germline): Likely benign. Review status: criteria provided, multiple submitters, no conflicts (2 of 4 stars). 2 submissions from 2 submitters: Likely benign (2). Last evaluated 2018-06-14.

Allele frequency attached by ClinVar (database versions not stated): gnomAD exomes 0.02325; 1000 Genomes Project 0.00859; 1000 Genomes Project 30x 0.00999; gnomAD 0.01916 and 0.01973; TOPMed 0.01998.
gnomAD v4.1: 18,134 of 807,806 alleles (2.2%); highest among the groups gnomAD compares: Non-Finnish European, 3%; 277 homozygotes.

Submissions (2):

GeneDx
Classification: Likely benign. Last evaluated: 2018-06-14. Review status: criteria provided, single submitter. Criteria: GeneDx Variant Classification (06012015). Collection method: clinical testing. Allele origin: germline. Affected: yes.
Comment: This variant is considered likely benign or benign based on one or more of the following criteria: it is a conservative change, it occurs at a poorly conserved position in the protein, it is predicted to be benign by multiple in silico algorithms, and/or has population frequency not consistent with disease.

Breakthrough Genomics
Classification: Likely benign. Review status: criteria provided, single submitter. Criteria: ACMG Guidelines, 2015. Collection method: not provided. Allele origin: germline. Inheritance: Autosomal recessive inheritance. Affected: yes.